The following is an entry in ClinVar:

NM_030632.3(ASXL3):c.3368C>T (p.Thr1123Ile)

Gene: ASXL3 (ASXL transcriptional regulator 3; plus strand). Cytogenetic location: 18q12.1.
Variant type: single nucleotide variant.
Coding change: c.3368C>T on transcript NM_030632.3 (MANE Select); coding-DNA position 3368, C replaced by T.
Protein change: p.Thr1123Ile; replaces threonine 1123 with isoleucine.
Molecular consequence: missense variant.
Genome position (GRCh38, 1-based): chr18:33,743,216, C>T. VCF-style: chr18-33743216-C-T. GRCh37 (hg19) VCF-style: chr18-31323180-C-T.
Other names: short protein forms T1123I.
Identifiers: ClinVar variation 3777612 (VCV003777612.2).
Genomic context (GRCh38, chr18:33,743,216, plus strand): 5'-AAGAGCAGACAAAGGCTAAGCTCTTTGCAAAGCATCAAGCTCGAGCCCATCTCTTCCAGA[C>T]CTCTAAAGAGACCCGGTTGCCTCCTCCGCTCAGCTCAAAGGAAGGGCCTCCAAACTTAGA-3'
Protein context (NP_085135.1, residues 1113-1133): KHQARAHLFQ[Thr1123Ile]SKETRLPPPL

ClinVar aggregate classification (germline): Uncertain significance. Review status: criteria provided, multiple submitters, no conflicts (2 of 4 stars). 2 submissions from 2 submitters: Uncertain significance (2). Last evaluated 2025-01-17.

Conditions:
Inborn genetic diseases. Identifiers: MedGen C0950123, MeSH D030342.

gnomAD v4.1: 1 of 1,613,956 alleles (0.000062%); highest among the groups gnomAD compares: Non-Finnish European, 0.000085%; no homozygotes.

Submissions (2):

Ambry Genetics
Classification: Uncertain significance for Inborn genetic diseases. Last evaluated: 2025-01-17. Review status: criteria provided, single submitter. Criteria: Ambry Variant Classification Scheme 2023. Collection method: clinical testing. Allele origin: germline.

GeneDx
Classification: Uncertain significance. Last evaluated: 2024-10-08. Review status: criteria provided, single submitter. Criteria: GeneDx Variant Classification Process June 2021. Collection method: clinical testing. Allele origin: germline. Affected: yes.
Comment: Not observed at significant frequency in large population cohorts (gnomAD); In silico analysis indicates that this missense variant does not alter protein structure/function; Has not been previously published as pathogenic or benign to our knowledge